The following is an entry in ClinVar:

ClinVar aggregate classification (germline): Likely benign (1 of 4 stars; one submission).

Conditions:
Diamond-Blackfan anemia 6 (DBA6). Also called: RPL5-Related Diamond-Blackfan Anemia. Identifiers: Orphanet 124, MedGen C2931850, MONDO:0012937, OMIM 612561.

Allele frequency attached by ClinVar (database versions not stated): gnomAD 0.00032; TOPMed 0.00041; 1000 Genomes Project 0.00080; 1000 Genomes Project 30x 0.00094.
gnomAD v4.1: 301 of 1,610,716 alleles (0.019%); highest among the groups gnomAD compares: East Asian, 0.26%; 4 homozygotes.

Submission:

Illumina Laboratory Services, Illumina
Classification: Likely benign for Diamond-Blackfan anemia 6. Last evaluated: 2018-01-12. Review status: criteria provided, single submitter. Criteria: ICSL Variant Classification Criteria 13 December 2019. Collection method: clinical testing. Allele origin: germline.
Comment: This variant was observed in the ICSL laboratory as part of a predisposition screen in an ostensibly healthy population. It had not been previously curated by ICSL or reported in the Human Gene Mutation Database (HGMD: prior to June 1st, 2018), and was therefore a candidate for classification through an automated scoring system. Utilizing variant allele frequency, disease prevalence and penetrance estimates, and inheritance mode, an automated score was calculated to assess if this variant is too frequent to cause the disease. Based on the score and internal cut-off values, a variant classified as likely benign is not then subjected to further curation. The score for this variant resulted in a classification of likely benign for this disease.

NM_000969.5(RPL5):c.-62C>G

Gene: RPL5 (ribosomal protein L5; plus strand). Cytogenetic location: 1p22.1.
Variant type: single nucleotide variant.
Coding change: c.-62C>G on transcript NM_000969.5 (MANE Select); 62 bases upstream of the start codon, C replaced by G.
Molecular consequence: 5 prime UTR variant. On other transcripts: non-coding transcript variant (1).
Genome position (GRCh38, 1-based): chr1:92,832,053, C>G. VCF-style: chr1-92832053-C-G. GRCh37 (hg19) VCF-style: chr1-93297610-C-G.
Other names: c.-62C>G (LRG_1155t1).
Identifiers: ClinVar variation 298197 (VCV000298197.5), dbSNP rs368663464, ClinGen allele CA10610839.